The following is an entry in ClinVar:

ClinVar aggregate classification (germline): Pathogenic (1 of 4 stars; one submission).

Conditions:
Developmental and epileptic encephalopathy, 51 (DEE51). Also called: Epileptic encephalopathy, early infantile, 51. Identifiers: MedGen C4479208, MONDO:0015025, OMIM 617339.

Submission:

Women's Health and Genetics/Laboratory Corporation of America, LabCorp
Classification: Pathogenic for Developmental and epileptic encephalopathy, 51. Last evaluated: 2024-10-07. Review status: criteria provided, single submitter. Criteria: LabCorp Variant Classification Summary - May 2015. Collection method: clinical testing. Allele origin: germline.
Comment: Variant summary: The variant involves the deletion of exons 5-9 in the MDH2 gene. A presumed nomenclature of c.(429+1_430-1)_(*1099_?)del has been designated for the purposes of this classification. The exact breakpoint at the distal 3' end of this variant is unknown, therefore this deletion may extend downstream of the annotated region of the gene. As it encompasses the termination codon, it is predicted to escape nonsense mediated decay (NMD). The variant was absent in 21694 control chromosomes (gnomAD Structural Variants dataset v2.1). To our knowledge, no occurrence of c.(429+1_430-1)_(*1099_?)del in individuals affected with Developmental And Epileptic Encephalopathy, 51 and no experimental evidence demonstrating its impact on protein function have been reported. No submitters have cited clinical-significance assessments for this variant to ClinVar. Additionally, several missense variants within the deleted region of c.(429+1_430-1)_(*1099_?)del and at least one splicing variant not predicted to result in nonsense mediated decay have been reported in patients affected with Developmental and epileptic encephalopathy, 51, and functional studies have shown that several of these missense variants effectively result in loss of function (e.g., PMIDs: 36420423, 34766628, 27989324). Based on the evidence outlined above, the variant was classified as pathogenic.

NC_000007.13:g.(75687397_75689690)_(75696827_?)del

Gene: MDH2 (malate dehydrogenase 2; plus strand). Cytogenetic location: 7q11.23.
Variant type: Deletion.
Identifiers: ClinVar variation 3384890 (VCV003384890.1).